The following is an entry in ClinVar:

ClinVar aggregate classification (germline): Conflicting classifications of pathogenicity. Review status: criteria provided, conflicting classifications (1 of 4 stars). 2 submissions from 2 submitters: Uncertain significance (1); Likely benign (1). Last evaluated 2024-02-26.

Conditions:
Hereditary cancer-predisposing syndrome. Also called: Tumor predisposition; Neoplastic Syndromes, Hereditary; Hereditary Cancer Syndrome; Hereditary neoplastic syndrome. Identifiers: Orphanet 140162, MedGen C0027672, MeSH D009386, MONDO:0015356.
Fanconi anemia complementation group O. Also called: RAD51C-Related Fanconi Anemia. Identifiers: Orphanet 84, MedGen C3150653, MONDO:0013248, OMIM 613390.

Allele frequency attached by ClinVar (database versions not stated): ExAC 0.00001; gnomAD 0.00001.
gnomAD v4.1: 2 of 1,613,264 alleles (0.00012%); highest among the groups gnomAD compares: East Asian, 0.0022%; no homozygotes.

Submissions (2):

Ambry Genetics
Classification: Likely benign for Hereditary cancer-predisposing syndrome. Last evaluated: 2024-02-26. Review status: criteria provided, single submitter. Criteria: Ambry Variant Classification Scheme 2023. Collection method: clinical testing. Allele origin: germline.

Labcorp Genetics (formerly Invitae), Labcorp
Classification: Uncertain significance for Fanconi anemia complementation group O. Last evaluated: 2023-12-11. Review status: criteria provided, single submitter. Criteria: Invitae Variant Classification Sherloc (09022015). Collection method: clinical testing. Allele origin: germline.
Comment: This sequence change replaces threonine, which is neutral and polar, with isoleucine, which is neutral and non-polar, at codon 365 of the RAD51C protein (p.Thr365Ile). The frequency data for this variant in the population databases is considered unreliable, as metrics indicate poor data quality at this position in the gnomAD database. This variant has not been reported in the literature in individuals affected with RAD51C-related conditions. ClinVar contains an entry for this variant (Variation ID: 471433). Algorithms developed to predict the effect of missense changes on protein structure and function output the following: SIFT: "Not Available"; PolyPhen-2: "Benign"; Align-GVGD: "Not Available". The isoleucine amino acid residue is found in multiple mammalian species, which suggests that this missense change does not adversely affect protein function. In summary, the available evidence is currently insufficient to determine the role of this variant in disease. Therefore, it has been classified as a Variant of Uncertain Significance.

NM_058216.3(RAD51C):c.1094C>T (p.Thr365Ile)

Gene: RAD51C (RAD51 paralog C; plus strand). Cytogenetic location: 17q22.
Variant type: single nucleotide variant.
Coding change: c.1094C>T on transcript NM_058216.3 (MANE Select); coding-DNA position 1094, C replaced by T.
Protein change: p.Thr365Ile; replaces threonine 365 with isoleucine.
Molecular consequence: missense variant. On other transcripts: non-coding transcript variant (1).
Genome position (GRCh38, 1-based): chr17:58,734,185, C>T. VCF-style: chr17-58734185-C-T. GRCh37 (hg19) VCF-style: chr17-56811546-C-T.
Other names: short protein forms T365I.
Identifiers: ClinVar variation 471433 (VCV000471433.11), dbSNP rs755838887, ClinGen allele CA8677412.
Genomic context (GRCh38, chr17:58,734,185, plus strand): 5'-GATTTAGAGATACTGTTGTTACTTCTGCATGTTCATTGCAAACAGAAGGTTCCTTGAGCA[C>T]CCGGAAACGGTCACGAGACCCAGAGGAAGAATTATAACCCAGAAACAAATCTCAAAGTGT-3'
Protein context (NP_478123.1, residues 355-375): CSLQTEGSLS[Thr365Ile]RKRSRDPEEE